The following is an entry in ClinVar:

ClinVar aggregate classification (germline): Benign/Likely benign. Review status: criteria provided, multiple submitters, no conflicts (2 of 4 stars). 10 submissions from 9 submitters: Benign (4); Likely benign (6). Last evaluated 2026-01-09.

Conditions:
Autosomal dominant cerebellar ataxia. Also called: Spinocerebellar Ataxia, Dominant. Identifiers: Orphanet 99, MedGen C4087347, MONDO:0020380.
Charcot-Marie-Tooth disease. Also called: Charcot-Marie-Tooth Neuropathy; Charcot-Marie-Tooth Hereditary Neuropathy. Identifiers: Orphanet 166, MedGen C0007959, MONDO:0015626.
Inborn genetic diseases. Identifiers: MedGen C0950123, MeSH D030342.
Cortical dysplasia, complex, with other brain malformations 13. Also called: Intellectual disability, autosomal dominant 13. Identifiers: MedGen C3281202, MONDO:0013805, OMIM 614563.
Autosomal dominant childhood-onset proximal spinal muscular atrophy without contractures. Also called: SPINAL MUSCULAR ATROPHY, JUVENILE, PROXIMAL, AUTOSOMAL DOMINANT; KUGELBERG-WELANDER SYNDROME, AUTOSOMAL DOMINANT; Spinal muscular atrophy, lower extremity-predominant 1, AD; SPINAL MUSCULAR ATROPHY, CHILDHOOD, PROXIMAL, AUTOSOMAL DOMINANT. Identifiers: Orphanet 209341, Orphanet 363447, MedGen C5780022, MONDO:0008026, OMIM 158600.
Charcot-Marie-Tooth disease axonal type 2O. Also called: CHARCOT-MARIE-TOOTH NEUROPATHY, AXONAL, TYPE 2O; CHARCOT-MARIE-TOOTH DISEASE, AXONAL, AUTOSOMAL DOMINANT, TYPE 2O; Charcot-Marie-Tooth Neuropathy Type 2O; Charcot-Marie-Tooth disease, axonal, type 20. Identifiers: Orphanet 284232, MedGen C3280220, MONDO:0013644, OMIM 614228.

Allele frequency attached by ClinVar (database versions not stated): gnomAD exomes 0.00008 and 0.00018; ExAC 0.00018; 1000 Genomes Project 0.00040; 1000 Genomes Project 30x 0.00047; ESP Exome Variant Server 0.00085; TOPMed 0.00085; gnomAD 0.00086 and 0.00096.
gnomAD v4.1: 253 of 1,614,218 alleles (0.016%); highest among the groups gnomAD compares: African/African-American, 0.29%; no homozygotes.

Submissions (10):

Labcorp Genetics (formerly Invitae), Labcorp
Classification: Benign for Charcot-Marie-Tooth disease axonal type 2O. Last evaluated: 2026-01-09. Review status: criteria provided, single submitter. Criteria: Invitae Variant Classification Sherloc (09022015). Collection method: clinical testing. Allele origin: germline.

Women's Health and Genetics/Laboratory Corporation of America, LabCorp
Classification: Benign. Last evaluated: 2025-07-28. Review status: criteria provided, single submitter. Criteria: LabCorp Variant Classification Summary - May 2015. Collection method: clinical testing. Allele origin: germline.

Blueprint Genetics
Classification: Likely benign. Last evaluated: 2024-10-09. Review status: criteria provided, single submitter. Criteria: ACMG Guidelines, 2015. Collection method: clinical testing. Allele origin: germline.

Fulgent Genetics
Classification: Likely benign for Autosomal dominant childhood-onset proximal spinal muscular atrophy without contractures; Charcot-Marie-Tooth disease axonal type 2O; Cortical dysplasia, complex, with other brain malformations 13. Last evaluated: 2021-08-06. Review status: criteria provided, single submitter. Criteria: ACMG Guidelines, 2015. Collection method: clinical testing. Allele origin: unknown.

GeneDx
Classification: Benign. Last evaluated: 2019-02-19. Review status: criteria provided, single submitter. Criteria: GeneDx Variant Classification Process June 2021. Collection method: clinical testing. Allele origin: germline. Affected: yes.

Illumina Laboratory Services, Illumina
Classification: Benign for Spinocerebellar Ataxia, Dominant. Last evaluated: 2018-01-12. Review status: criteria provided, single submitter. Criteria: ICSL Variant Classification Criteria 13 December 2019. Collection method: clinical testing. Allele origin: germline.
Comment: This variant was observed in the ICSL laboratory as part of a predisposition screen in an ostensibly healthy population. It had not been previously curated by ICSL or reported in the Human Gene Mutation Database (HGMD: prior to June 1st, 2018), and was therefore a candidate for classification through an automated scoring system. Utilizing variant allele frequency, disease prevalence and penetrance estimates, and inheritance mode, an automated score was calculated to assess if this variant is too frequent to cause the disease. Based on the score and internal cut-off values, a variant classified as benign is not then subjected to further curation. The score for this variant resulted in a classification of benign for this disease.

Illumina Laboratory Services, Illumina
Classification: Likely benign for Charcot-Marie-Tooth disease axonal type 2O. Last evaluated: 2018-01-12. Review status: criteria provided, single submitter. Criteria: ICSL Variant Classification Criteria 13 December 2019. Collection method: clinical testing. Allele origin: germline.
Comment: This variant was observed in the ICSL laboratory as part of a predisposition screen in an ostensibly healthy population. It had not been previously curated by ICSL or reported in the Human Gene Mutation Database (HGMD: prior to June 1st, 2018), and was therefore a candidate for classification through an automated scoring system. Utilizing variant allele frequency, disease prevalence and penetrance estimates, and inheritance mode, an automated score was calculated to assess if this variant is too frequent to cause the disease. Based on the score and internal cut-off values, a variant classified as likely benign is not then subjected to further curation. The score for this variant resulted in a classification of likely benign for this disease.

Ambry Genetics
Classification: Likely benign for Inborn genetic diseases. Last evaluated: 2017-01-03. Review status: criteria provided, single submitter. Criteria: Ambry Variant Classification Scheme 2023. Collection method: clinical testing. Allele origin: germline.

Genetic Services Laboratory, University of Chicago
Classification: Likely benign. Last evaluated: 2015-12-03. Review status: criteria provided, single submitter. Criteria: ACMG Guidelines, 2015. Collection method: clinical testing. Allele origin: germline. Affected: no.

Molecular Genetics Laboratory, London Health Sciences Centre
Classification: Likely benign for Charcot-Marie-Tooth disease. Review status: criteria provided, single submitter. Criteria: ACMG Guidelines, 2015. Collection method: clinical testing. Allele origin: germline. Affected: yes.

NM_001376.5(DYNC1H1):c.5295A>G (p.Ala1765=)

Gene: DYNC1H1 (dynein cytoplasmic 1 heavy chain 1; plus strand). Cytogenetic location: 14q32.31.
Variant type: single nucleotide variant.
Coding change: c.5295A>G on transcript NM_001376.5 (MANE Select); coding-DNA position 5295, A replaced by G.
Protein change: p.Ala1765=; no amino-acid change (alanine 1765 retained).
Molecular consequence: synonymous variant.
Genome position (GRCh38, 1-based): chr14:102,005,098, A>G. VCF-style: chr14-102005098-A-G. GRCh37 (hg19) VCF-style: chr14-102471435-A-G.
Identifiers: ClinVar variation 312631 (VCV000312631.29), dbSNP rs139919955, ClinGen allele CA7352394.
Genomic context (GRCh38, chr14:102,005,098, plus strand): 5'-TCAGGCCCAGCTTGTGGTTTTGTCAGCCCAGATAGCCTGGTCTGAGAACGTGGAGACCGC[A>G]CTGAGCAGCATGGGCGGAGGTGGAGATGCCGCGCCCTTGCACTCTGTGCTGAGCAATGTG-3'
Protein context (NP_001367.2, residues 1755-1775): QIAWSENVET[Ala1765=]LSSMGGGGDA